The following is an entry in ClinVar:

ClinVar aggregate classification (germline): Conflicting classifications of pathogenicity. Review status: criteria provided, conflicting classifications (1 of 4 stars). 6 submissions from 6 submitters: Uncertain significance (4); Benign (1); Likely benign (1). Last evaluated 2026-01-07.

Conditions:
Primary ciliary dyskinesia. Also called: Ciliary dyskinesia. Identifiers: Orphanet 244, MedGen C0008780, MONDO:0016575, HP:0012265.
Primary ciliary dyskinesia 7. Also called: CILIARY DYSKINESIA, PRIMARY, 7, WITH OR WITHOUT SITUS INVERSUS. Identifiers: Orphanet 244, MedGen C2678473, MONDO:0012748, OMIM 611884.

Allele frequency attached by ClinVar (database versions not stated): ExAC 0.00010; gnomAD exomes 0.00010 and 0.00025; gnomAD 0.00013 and 0.00014; TOPMed 0.00013.
gnomAD v4.1: 382 of 1,613,072 alleles (0.024%); highest among the groups gnomAD compares: Non-Finnish European, 0.031%; no homozygotes.

Submissions (6):

Labcorp Genetics (formerly Invitae), Labcorp
Classification: Benign for Primary ciliary dyskinesia. Last evaluated: 2026-01-07. Review status: criteria provided, single submitter. Criteria: Invitae Variant Classification Sherloc (09022015). Collection method: clinical testing. Allele origin: germline.

Fulgent Genetics
Classification: Uncertain significance for Primary ciliary dyskinesia 7. Last evaluated: 2024-03-18. Review status: criteria provided, single submitter. Criteria: ACMG Guidelines, 2015. Collection method: clinical testing. Allele origin: germline.

CeGaT Center for Human Genetics Tuebingen
Classification: Likely benign. Last evaluated: 2022-07-01. Review status: criteria provided, single submitter. Criteria: CeGaT Center For Human Genetics Tuebingen Variant Classification Criteria Version 2. Collection method: clinical testing. Allele origin: germline. Affected: yes. Observed: 1 variant allele.
Comment: DNAH11: BP4

Revvity Omics, Revvity
Classification: Uncertain significance for Primary ciliary dyskinesia 7. Last evaluated: 2019-12-27. Review status: criteria provided, single submitter. Criteria: ACMG Guidelines, 2015. Collection method: clinical testing. Allele origin: germline.

Ambry Genetics
Classification: Uncertain significance for Primary ciliary dyskinesia. Last evaluated: 2016-11-14. Review status: criteria provided, single submitter. Criteria: Ambry Variant Classification Scheme 2023. Collection method: clinical testing. Allele origin: germline.
Comment: The p.T3167P variant (also known as c.9499A>C), located in coding exon 58 of the DNAH11 gene, results from an A to C substitution at nucleotide position 9499. The threonine at codon 3167 is replaced by proline, an amino acid with highly similar properties. Based on data from ExAC, the C allele has an overall frequency of approximately 0.007% (7/95562) total alleles studied. The highest observed frequency was 0.014% (7/49992) of Non-Finnish European alleles. This amino acid position is poorly conserved in available vertebrate species. In addition, this alteration is predicted to be tolerated by in silico analysis. Since supporting evidence is limited at this time, the clinical significance of this alteration remains unclear.

Eurofins Ntd Llc (ga)
Classification: Uncertain significance. Last evaluated: 2015-06-26. Review status: criteria provided, single submitter. Criteria: EGL Classification Definitions 2015. Collection method: clinical testing. Allele origin: germline. Observed: 1 variant allele, 1 heterozygote.

NM_001277115.2(DNAH11):c.9499A>C (p.Thr3167Pro)

Gene: DNAH11 (dynein axonemal heavy chain 11; plus strand). Cytogenetic location: 7p15.3.
Variant type: single nucleotide variant.
Coding change: c.9499A>C on transcript NM_001277115.2 (MANE Select); coding-DNA position 9499, A replaced by C.
Protein change: p.Thr3167Pro; replaces threonine 3167 with proline.
Molecular consequence: missense variant.
Genome position (GRCh38, 1-based): chr7:21,784,442, A>C. VCF-style: chr7-21784442-A-C. GRCh37 (hg19) VCF-style: chr7-21824060-A-C.
Other names: short protein forms T3167P.
Identifiers: ClinVar variation 281471 (VCV000281471.49), dbSNP rs202224167, ClinGen allele CA4182012.